The following is an entry in ClinVar:

ClinVar aggregate classification (germline): Likely pathogenic (1 of 4 stars; one submission).

Conditions:
Marfan syndrome (MFS). Also called: MARFAN SYNDROME, TYPE I; FBN1-Related Marfan Syndrome; Marfan syndrome type 1; Marfan's syndrome; Marfan syndrome, classic. Identifiers: Orphanet 284963, Orphanet 558, MedGen C0024796, MONDO:0007947, OMIM 154700.
Familial thoracic aortic aneurysm and aortic dissection (TAAD). Also called: Thoracic aortic aneurysms and dissections. Identifiers: Orphanet 91387, MedGen C4707243, MONDO:0019625.

Submission:

Labcorp Genetics (formerly Invitae), Labcorp
Classification: Likely pathogenic for Marfan syndrome; Familial thoracic aortic aneurysm and aortic dissection. Last evaluated: 2017-03-20. Review status: criteria provided, single submitter. Criteria: Invitae Variant Classification Sherloc (09022015). Collection method: clinical testing. Allele origin: germline.
Comment: In summary, this variant is a novel missense change affecting a residue crucial for protein stability and function. Although additional genetic data will be necessary to further confirm pathogenicity for this variant, cysteine substitutions located in FBN1 EGF-like domains are likely deleterious. For these reasons, this variant has been classified as Likely Pathogenic. This variant affects a cysteine residue located within an epidermal-growth-factor (EGF)–like domain of the FBN1 protein. Cysteine residues in these domains have been shown to be involved in the formation of disulfide bridges, which are critical for FBN1 protein structure and stability (PMID: 10486319, 3495735, 4750422, 16677079). In addition, missense substitutions within the FBN1 EGF-like domains affecting cysteine residues are significantly overrepresented among patients with Marfan syndrome (PMID: 16571647, 17701892). This variant is not present in population databases (ExAC no frequency) and has not been reported in the literature in individuals with a FBN1-related disease. This sequence change replaces cysteine with tryptophan at codon 2302 of the FBN1 protein (p.Cys2302Trp). The cysteine residue is highly conserved and there is a large physicochemical difference between cysteine and tryptophan.

Literature cited by the submitters: PubMed 10486319; PubMed 3495735; PubMed 4750422; PubMed 16677079; PubMed 16571647; PubMed 17701892.

NM_000138.5(FBN1):c.6906T>G (p.Cys2302Trp)

Gene: FBN1 (fibrillin 1; minus strand). Cytogenetic location: 15q21.1.
Variant type: single nucleotide variant.
Coding change: c.6906T>G on transcript NM_000138.5 (MANE Select); coding-DNA position 6906, T replaced by G.
Protein change: p.Cys2302Trp; replaces cysteine 2302 with tryptophan.
Molecular consequence: missense variant.
Genome position (GRCh38, 1-based): chr15:48,428,437, A>C on the plus strand (T>G on the coding strand, the complement: FBN1 is on the minus strand). VCF-style: chr15-48428437-A-C. GRCh37 (hg19) VCF-style: chr15-48720634-A-C.
Other names: short protein forms C2302W.
Identifiers: ClinVar variation 457256 (VCV000457256.8), dbSNP rs1555394634, ClinGen allele CA392330800.